The following is an entry in ClinVar:

ClinVar aggregate classification (germline): Likely benign. Review status: criteria provided, multiple submitters, no conflicts (2 of 4 stars). 5 submissions from 5 submitters: Likely benign (3). 2 of the submissions do not count toward it. Last evaluated 2024-10-07.

Conditions:
SUCLA2-related disorder. Also called: SUCLA2-related condition.
Mitochondrial DNA depletion syndrome, encephalomyopathic form with methylmalonic aciduria (MTDPS5). Also called: Mitochondrial encephalomyopathy aminoacidopathy; MITOCHONDRIAL DNA DEPLETION SYNDROME, ENCEPHALOMYOPATHIC FORM, WITH OR WITHOUT METHYLMALONIC ACIDURIA, AUTOSOMAL RECESSIVE, SUCLA2-RELATED; Mitochondrial DNA depletion syndrome 5 (encephalomyopathic with or without methylmalonic aciduria); SUCLA2-Related Mitochondrial DNA Depletion Syndrome, Encephalomyopathic Form with Methylmalonic Aciduria. Identifiers: Orphanet 1933, MedGen C5980207, MONDO:0012791, OMIM 612073.

Allele frequency attached by ClinVar (database versions not stated): ExAC 0.00002; gnomAD exomes 0.00003 and 0.00007; ESP Exome Variant Server 0.00015; 1000 Genomes Project 30x 0.00016; gnomAD 0.00016 and 0.00017; 1000 Genomes Project 0.00020; TOPMed 0.00022.
gnomAD v4.1: 75 of 1,613,950 alleles (0.0046%); highest among the groups gnomAD compares: African/African-American, 0.047%; no homozygotes.

Submissions (5):

Blueprint Genetics
Classification: Likely benign. Last evaluated: 2024-10-07. Review status: criteria provided, single submitter. Criteria: ACMG Guidelines, 2015. Collection method: clinical testing. Allele origin: germline.

Labcorp Genetics (formerly Invitae), Labcorp
Classification: Likely benign for Mitochondrial DNA depletion syndrome, encephalomyopathic form with methylmalonic aciduria. Last evaluated: 2024-09-17. Review status: criteria provided, single submitter. Criteria: Invitae Variant Classification Sherloc (09022015). Collection method: clinical testing. Allele origin: germline.

GeneDx
Classification: Likely benign. Last evaluated: 2021-03-17. Review status: criteria provided, single submitter. Criteria: GeneDx Variant Classification Process June 2021. Collection method: clinical testing. Allele origin: germline. Affected: yes.

Genetic Services Laboratory, University of Chicago
Classification: Likely benign. Last evaluated: 2022-11-03. Review status: no assertion criteria provided. Collection method: clinical testing. Allele origin: germline. Affected: no. Not counted in ClinVar's aggregate classification.

PreventionGenetics, part of Exact Sciences
Classification: Likely benign for SUCLA2-related condition. Last evaluated: 2019-02-18. Review status: no assertion criteria provided. Collection method: clinical testing. Allele origin: germline. Not counted in ClinVar's aggregate classification.
Comment: This variant is classified as likely benign based on ACMG/AMP sequence variant interpretation guidelines (Richards et al. 2015 PMID: 25741868, with internal and published modifications).

NM_003850.3(SUCLA2):c.942C>T (p.Leu314=)

Gene: SUCLA2 (succinate-CoA ligase ADP-forming subunit beta; minus strand). Cytogenetic location: 13q14.2.
Variant type: single nucleotide variant.
Coding change: c.942C>T on transcript NM_003850.3 (MANE Select); coding-DNA position 942, C replaced by T.
Protein change: p.Leu314=; no amino-acid change (leucine 314 retained).
Molecular consequence: synonymous variant.
Genome position (GRCh38, 1-based): chr13:47,954,418, G>A on the plus strand (C>T on the coding strand, the complement: SUCLA2 is on the minus strand). VCF-style: chr13-47954418-G-A. GRCh37 (hg19) VCF-style: chr13-48528553-G-A.
Identifiers: ClinVar variation 1300427 (VCV001300427.14), dbSNP rs368442407, ClinGen allele CA6977878.